The following is an entry in ClinVar:

NM_001127222.2(CACNA1A):c.317C>T (p.Ala106Val)

Gene: CACNA1A (calcium voltage-gated channel subunit alpha1 A; minus strand). Cytogenetic location: 19p13.13.
Variant type: single nucleotide variant.
Coding change: c.317C>T on transcript NM_001127222.2 (MANE Select); coding-DNA position 317, C replaced by T.
Protein change: p.Ala106Val; replaces alanine 106 with valine.
Molecular consequence: missense variant.
Genome position (GRCh38, 1-based): chr19:13,455,189, G>A on the plus strand (C>T on the coding strand, the complement: CACNA1A is on the minus strand). VCF-style: chr19-13455189-G-A. GRCh37 (hg19) VCF-style: chr19-13566003-G-A.
Other names: c.317C>T, p.Ala106Val (NM_000068.4, NM_001127221.2, NM_001174080.2 and 1 more transcripts); short protein forms A106V.
Identifiers: ClinVar variation 3253256 (VCV003253256.2), dbSNP rs761374169.

ClinVar aggregate classification (germline): Uncertain significance (1 of 4 stars; one submission).

Allele frequency attached by ClinVar (database versions not stated): gnomAD exomes below 0.00001; TOPMed below 0.00001.
gnomAD v4.1: 4 of 1,609,134 alleles (0.00025%); highest among the groups gnomAD compares: Non-Finnish European, 0.00034%; no homozygotes.

Submission:

GeneDx
Classification: Uncertain significance. Last evaluated: 2025-01-24. Review status: criteria provided, single submitter. Criteria: GeneDx Variant Classification Process June 2021. Collection method: clinical testing. Allele origin: germline.
Comment: Not observed at significant frequency in large population cohorts (gnomAD); In silico analysis supports that this missense variant has a deleterious effect on protein structure/function; Has not been previously published as pathogenic or benign to our knowledge